The following is an entry in ClinVar:

NM_000271.5(NPC1):c.510C>G (p.Asp170Glu)

Gene: NPC1 (NPC intracellular cholesterol transporter 1; minus strand). Cytogenetic location: 18q11.2.
Variant type: single nucleotide variant.
Coding change: c.510C>G on transcript NM_000271.5 (MANE Select); coding-DNA position 510, C replaced by G.
Protein change: p.Asp170Glu; replaces aspartic acid 170 with glutamic acid.
Molecular consequence: missense variant.
Genome position (GRCh38, 1-based): chr18:23,561,481, G>C on the plus strand (C>G on the coding strand, the complement: NPC1 is on the minus strand). VCF-style: chr18-23561481-G-C. GRCh37 (hg19) VCF-style: chr18-21141445-G-C.
Other names: short protein forms D170E.
Identifiers: ClinVar variation 890772 (VCV000890772.7), dbSNP rs887908568, ClinGen allele CA297075319.

ClinVar aggregate classification (germline): Conflicting classifications of pathogenicity. Review status: criteria provided, conflicting classifications (1 of 4 stars). 3 submissions from 3 submitters: Uncertain significance (2); Likely benign (1). Last evaluated 2022-02-20.

Conditions:
Inborn genetic diseases. Identifiers: MedGen C0950123, MeSH D030342.
Niemann-Pick disease, type C1. Also called: NEUROVISCERAL STORAGE DISEASE WITH VERTICAL SUPRANUCLEAR OPHTHALMOPLEGIA; NIEMANN-PICK DISEASE WITH CHOLESTEROL ESTERIFICATION BLOCK; NIEMANN-PICK DISEASE WITHOUT SPHINGOMYELINASE DEFICIENCY; NIEMANN-PICK DISEASE, CHRONIC NEURONOPATHIC FORM; NIEMANN-PICK DISEASE, VARIANT TYPE C1. Identifiers: Orphanet 646, MedGen C3179455, MONDO:0009757, OMIM 257220.

Allele frequency attached by ClinVar (database versions not stated): TOPMed below 0.00001; gnomAD 0.00001; gnomAD exomes 0.00002 and 0.00003.
gnomAD v4.1: 49 of 1,613,998 alleles (0.003%); highest among the groups gnomAD compares: East Asian, 0.11%; no homozygotes.

Submissions (3):

Ambry Genetics
Classification: Likely benign for Inborn genetic diseases. Last evaluated: 2022-02-20. Review status: criteria provided, single submitter. Criteria: Ambry Variant Classification Scheme 2023. Collection method: clinical testing. Allele origin: germline.

Labcorp Genetics (formerly Invitae), Labcorp
Classification: Uncertain significance for Niemann-Pick disease, type C1. Last evaluated: 2021-09-17. Review status: criteria provided, single submitter. Criteria: Invitae Variant Classification Sherloc (09022015). Collection method: clinical testing. Allele origin: germline.
Comment: This sequence change replaces aspartic acid with glutamic acid at codon 170 of the NPC1 protein (p.Asp170Glu). The aspartic acid residue is weakly conserved and there is a small physicochemical difference between aspartic acid and glutamic acid. This variant is not present in population databases (ExAC no frequency). This variant has not been reported in the literature in individuals with NPC1-related conditions. Algorithms developed to predict the effect of missense changes on protein structure and function output the following: SIFT: "Tolerated"; PolyPhen-2: "Benign"; Align-GVGD: "Class C0". The glutamic acid amino acid residue is found in multiple mammalian species, suggesting that this missense change does not adversely affect protein function. These predictions have not been confirmed by published functional studies and their clinical significance is uncertain. In summary, the available evidence is currently insufficient to determine the role of this variant in disease. Therefore, it has been classified as a Variant of Uncertain Significance.

Illumina Laboratory Services, Illumina
Classification: Uncertain significance for Niemann-Pick disease type C1. Last evaluated: 2018-01-13. Review status: criteria provided, single submitter. Criteria: ICSL Variant Classification Criteria 13 December 2019. Collection method: clinical testing. Allele origin: germline.